The following is an entry in ClinVar:

ClinVar aggregate classification (germline): Uncertain significance (0 of 4 stars; one submission).

Conditions:
Atrial septal defect 4 (ASD4). Identifiers: Orphanet 1478, MedGen C1969657, MONDO:0012654, OMIM 611363.

Submission:

Laboratory of Genomics, Instituto Nacional de Cardiología Ignacio Chávez
Classification: Uncertain significance for Atrial septal defect 4. Review status: no assertion criteria provided. Collection method: not provided. Allele origin: unknown.
ClinVar note: Converted during submission from unknown to Uncertain significance.

NM_001077653.2(TBX20):c.1108A>C (p.Thr370Pro)

Gene: TBX20 (T-box transcription factor 20; minus strand). Cytogenetic location: 7p14.2.
Variant type: single nucleotide variant.
Coding change: c.1108A>C on transcript NM_001077653.2 (MANE Select); coding-DNA position 1108, A replaced by C.
Protein change: p.Thr370Pro; replaces threonine 370 with proline.
Molecular consequence: missense variant.
Genome position (GRCh38, 1-based): chr7:35,202,666, T>G on the plus strand (A>C on the coding strand, the complement: TBX20 is on the minus strand). VCF-style: chr7-35202666-T-G. GRCh37 (hg19) VCF-style: chr7-35242278-T-G.
Other names: c.1108A>C, p.Thr370Pro (LRG_755t1); short protein forms T370P.
Identifiers: ClinVar variation 132824 (VCV000132824.2), dbSNP rs483352998, ClinGen allele CA156235.